The following is an entry in ClinVar:

NM_032119.4(ADGRV1):c.15619G>A (p.Val5207Met)

Gene: ADGRV1 (adhesion G protein-coupled receptor V1; plus strand). Cytogenetic location: 5q14.3.
Variant type: single nucleotide variant.
Coding change: c.15619G>A on transcript NM_032119.4 (MANE Select); coding-DNA position 15619, G replaced by A.
Protein change: p.Val5207Met; replaces valine 5207 with methionine.
Molecular consequence: missense variant. On other transcripts: non-coding transcript variant (1).
Genome position (GRCh38, 1-based): chr5:90,810,879, G>A. VCF-style: chr5-90810879-G-A. GRCh37 (hg19) VCF-style: chr5-90106696-G-A.
Other names: c.15619G>A (NM_032119.3); short protein forms V5207M.
Identifiers: ClinVar variation 198660 (VCV000198660.10), dbSNP rs772125195, ClinGen allele CA247445.

ClinVar aggregate classification (germline): Uncertain significance. Review status: criteria provided, multiple submitters, no conflicts (2 of 4 stars). 5 submissions from 5 submitters: Uncertain significance (5). Last evaluated 2025-12-16.

Conditions:
ADGRV1-related disorder. Also called: ADGRV1-related condition; ADGRV1-related disorders.
Inborn genetic diseases. Identifiers: MedGen C0950123, MeSH D030342.

Allele frequency attached by ClinVar (database versions not stated): TOPMed below 0.00001; gnomAD 0.00001; ExAC 0.00002; gnomAD exomes 0.00002.
gnomAD v4.1: 29 of 1,614,036 alleles (0.0018%); highest among the groups gnomAD compares: Middle Eastern, 0.15%; 1 homozygote.

Submissions (5):

Ambry Genetics
Classification: Uncertain significance for Inborn genetic diseases. Last evaluated: 2025-12-16. Review status: criteria provided, single submitter. Criteria: Ambry Variant Classification Scheme 2023. Collection method: clinical testing. Allele origin: germline.

PreventionGenetics, part of Exact Sciences
Classification: Uncertain significance for ADGRV1-related condition. Last evaluated: 2024-11-07. Review status: criteria provided, single submitter. Criteria: ACMG Guidelines, 2015. Collection method: clinical testing. Allele origin: germline.
Comment: The ADGRV1 c.15619G>A variant is predicted to result in the amino acid substitution p.Val5207Met. To our knowledge, this variant has not been reported in the literature. This variant is reported in 0.0099% of alleles in individuals of Ashkenazi Jewish descent in gnomAD. At this time, the clinical significance of this variant is uncertain due to the absence of conclusive functional and genetic evidence.

Labcorp Genetics (formerly Invitae), Labcorp
Classification: Uncertain significance. Last evaluated: 2022-07-29. Review status: criteria provided, single submitter. Criteria: Invitae Variant Classification Sherloc (09022015). Collection method: clinical testing. Allele origin: germline.
Comment: This sequence change replaces valine, which is neutral and non-polar, with methionine, which is neutral and non-polar, at codon 5207 of the ADGRV1 protein (p.Val5207Met). This variant is present in population databases (rs772125195, gnomAD 0.01%). This variant has not been reported in the literature in individuals affected with ADGRV1-related conditions. ClinVar contains an entry for this variant (Variation ID: 198660). Algorithms developed to predict the effect of missense changes on protein structure and function output the following: SIFT: "Tolerated"; PolyPhen-2: "Possibly Damaging"; Align-GVGD: "Class C0". The methionine amino acid residue is found in multiple mammalian species, which suggests that this missense change does not adversely affect protein function. In summary, the available evidence is currently insufficient to determine the role of this variant in disease. Therefore, it has been classified as a Variant of Uncertain Significance.

Eurofins Ntd Llc (ga)
Classification: Uncertain significance. Last evaluated: 2015-03-16. Review status: criteria provided, single submitter. Criteria: EGL Classification Definitions 2015. Collection method: clinical testing. Allele origin: germline. Observed: 1 variant allele, 1 heterozygote.

Breakthrough Genomics
Classification: Uncertain significance. Review status: criteria provided, single submitter. Criteria: ACMG Guidelines, 2015. Collection method: not provided. Allele origin: germline. Inheritance: Autosomal recessive inheritance. Affected: yes.